The following is an entry in ClinVar:

NM_032380.5(GFM2):c.698A>G (p.Lys233Arg)

Gene: GFM2 (GTP dependent ribosome recycling factor mitochondrial 2; minus strand). Cytogenetic location: 5q13.3.
Variant type: single nucleotide variant.
Coding change: c.698A>G on transcript NM_032380.5 (MANE Select); coding-DNA position 698, A replaced by G.
Protein change: p.Lys233Arg; replaces lysine 233 with arginine.
Molecular consequence: missense variant. On other transcripts: non-coding transcript variant (1).
Genome position (GRCh38, 1-based): chr5:74,745,829, T>C on the plus strand (A>G on the coding strand, the complement: GFM2 is on the minus strand). VCF-style: chr5-74745829-T-C. GRCh37 (hg19) VCF-style: chr5-74041654-T-C.
Other names: c.794A>G, p.Lys265Arg (NM_001281302.2); c.698A>G, p.Lys233Arg (NM_170681.3, NM_170691.3); short protein forms K233R, K265R.
Identifiers: ClinVar variation 3099462 (VCV003099462.3), dbSNP rs186168413, ClinGen allele CA3306705.

ClinVar aggregate classification (germline): Uncertain significance. Review status: criteria provided, multiple submitters, no conflicts (2 of 4 stars). 2 submissions from 2 submitters: Uncertain significance (2). Last evaluated 2024-05-06.

Conditions:
Inborn genetic diseases. Identifiers: MedGen C0950123, MeSH D030342.

Allele frequency attached by ClinVar (database versions not stated): gnomAD exomes 0.00001; gnomAD 0.00003; TOPMed 0.00003; ExAC 0.00011; 1000 Genomes Project 0.00020; 1000 Genomes Project 30x 0.00031.
gnomAD v4.1: 24 of 1,612,192 alleles (0.0015%); highest among the groups gnomAD compares: East Asian, 0.04%; no homozygotes.

Submissions (2):

Labcorp Genetics (formerly Invitae), Labcorp
Classification: Uncertain significance. Last evaluated: 2024-05-06. Review status: criteria provided, single submitter. Criteria: Invitae Variant Classification Sherloc (09022015). Collection method: clinical testing. Allele origin: germline.
Comment: This sequence change replaces lysine, which is basic and polar, with arginine, which is basic and polar, at codon 233 of the GFM2 protein (p.Lys233Arg). This variant is present in population databases (rs186168413, gnomAD 0.1%), and has an allele count higher than expected for a pathogenic variant. This variant has not been reported in the literature in individuals affected with GFM2-related conditions. Advanced modeling of protein sequence and biophysical properties (such as structural, functional, and spatial information, amino acid conservation, physicochemical variation, residue mobility, and thermodynamic stability) performed at Invitae indicates that this missense variant is not expected to disrupt GFM2 protein function with a negative predictive value of 80%. In summary, the available evidence is currently insufficient to determine the role of this variant in disease. Therefore, it has been classified as a Variant of Uncertain Significance.

Ambry Genetics
Classification: Uncertain significance for Inborn genetic diseases. Last evaluated: 2024-02-12. Review status: criteria provided, single submitter. Criteria: Ambry Variant Classification Scheme 2023. Collection method: clinical testing. Allele origin: germline.